The following is an entry in ClinVar:

ClinVar aggregate classification (germline): Uncertain significance (1 of 4 stars; one submission).

Conditions:
Cardiac malformation, cleft lip/palate, microcephaly, and digital anomalies. Also called: CLEFT PALATE, CARDIAC DEFECTS, AND IMPAIRED INTELLECTUAL DEVELOPMENT. Identifiers: MedGen C1832950, MONDO:0010970, OMIM 600987.

Submission:

3billion
Classification: Uncertain significance for Cardiac malformation, cleft lip/palate, microcephaly, and digital anomalies. Last evaluated: 2022-05-22. Review status: criteria provided, single submitter. Criteria: ACMG Guidelines, 2015. Collection method: clinical testing. Allele origin: germline. Affected: yes. Observed: 1 heterozygote.
Comment: The variant is not observed in the gnomAD v2.1.1 dataset. The variant is located in a mutational hot spot and/or well-established functional domain in which established pathogenic variants have been reported. In silico tool predictions suggest damaging effect of the variant on gene or gene product (REVEL: 0.78; 3Cnet: 0.87). Therefore, this variant is classified as uncertain significanceaccording to the recommendation of ACMG/AMP guideline.

NM_170675.5(MEIS2):c.903T>A (p.His301Gln)

Gene: MEIS2 (Meis homeobox 2; minus strand). Cytogenetic location: 15q14.
Variant type: single nucleotide variant.
Coding change: c.903T>A on transcript NM_170675.5 (MANE Select); coding-DNA position 903, T replaced by A.
Protein change: p.His301Gln; replaces histidine 301 with glutamine.
Molecular consequence: missense variant.
Genome position (GRCh38, 1-based): chr15:36,950,398, A>T on the plus strand (T>A on the coding strand, the complement: MEIS2 is on the minus strand). VCF-style: chr15-36950398-A-T. GRCh37 (hg19) VCF-style: chr15-37242599-A-T.
Other names: c.903T>A, p.His301Gln (NM_001220482.2, NM_170674.5, NM_170676.5 and 1 more transcripts); c.864T>A, p.His288Gln (NM_002399.4, NM_172315.3); c.639T>A, p.His213Gln (NM_172316.3); short protein forms H213Q, H288Q, H301Q.
Identifiers: ClinVar variation 1687173 (VCV001687173.1), dbSNP rs2141389859, ClinGen allele CA391927183.